The following is an entry in ClinVar:

ClinVar aggregate classification (germline): Likely benign. Review status: criteria provided, multiple submitters, no conflicts (2 of 4 stars). 3 submissions from 3 submitters: Likely benign (3). Last evaluated 2024-10-15.

Conditions:
Cardiovascular phenotype. Identifiers: MedGen CN230736.
Arrhythmogenic cardiomyopathy with wooly hair and keratoderma. Also called: Arrhythmogenic cardiomyopathy with woolly hair and keratoderma; Carvajal syndrome; Dilated cardiomyopathy with woolly hair and keratoderma; PALMOPLANTAR KERATODERMA WITH LEFT VENTRICULAR CARDIOMYOPATHY AND WOOLLY HAIR. Identifiers: Orphanet 65282, MedGen C1854063, MONDO:0011581, OMIM 605676.
Arrhythmogenic right ventricular dysplasia 8 (ARVD8). Also called: Arrhythmogenic Right Ventricular Dysplasia/Cardiomyopathy 8; ARRHYTHMOGENIC RIGHT VENTRICULAR DYSPLASIA, FAMILIAL, 8; ARRHYTHMOGENIC RIGHT VENTRICULAR CARDIOMYOPATHY 8. Identifiers: MedGen C1843896, MONDO:0011831, OMIM 607450.

Allele frequency attached by ClinVar (database versions not stated): gnomAD exomes below 0.00001; TOPMed below 0.00001; ExAC 0.00001; gnomAD 0.00001.
gnomAD v4.1: 6 of 1,613,974 alleles (0.00037%); highest among the groups gnomAD compares: South Asian, 0.0011%; no homozygotes.

Submissions (3):

Labcorp Genetics (formerly Invitae), Labcorp
Classification: Likely benign for Arrhythmogenic cardiomyopathy with wooly hair and keratoderma; Arrhythmogenic right ventricular dysplasia 8. Last evaluated: 2024-10-15. Review status: criteria provided, single submitter. Criteria: Invitae Variant Classification Sherloc (09022015). Collection method: clinical testing. Allele origin: germline.

All of Us Research Program, National Institutes of Health
Classification: Likely benign for Arrhythmogenic cardiomyopathy with wooly hair and keratoderma. Last evaluated: 2024-08-06. Review status: criteria provided, single submitter. Criteria: ACMG Guidelines, 2015. Collection method: clinical testing. Allele origin: germline. Inheritance: Autosomal dominant inheritance. Observed: 2 variant alleles, 2 heterozygotes.
Comment: This study involves interpretation of variants in research participants for the purpose of population health screening. Participant phenotype was not available at the time of variant classification. Additional details can be found in publication PMID: 35346344, PMCID: PMC8962531

Ambry Genetics
Classification: Likely benign for Cardiovascular phenotype. Last evaluated: 2023-12-01. Review status: criteria provided, single submitter. Criteria: Ambry Variant Classification Scheme 2023. Collection method: clinical testing. Allele origin: germline.

NM_004415.4(DSP):c.2658G>A (p.Lys886=)

Gene: DSP (desmoplakin; plus strand). Cytogenetic location: 6p24.3.
Variant type: single nucleotide variant.
Coding change: c.2658G>A on transcript NM_004415.4 (MANE Select); coding-DNA position 2658, G replaced by A.
Protein change: p.Lys886=; no amino-acid change (lysine 886 retained).
Molecular consequence: synonymous variant.
Genome position (GRCh38, 1-based): chr6:7,576,321, G>A. VCF-style: chr6-7576321-G-A. GRCh37 (hg19) VCF-style: chr6-7576554-G-A.
Other names: c.2658G>A (NM_004415.2); c.2658G>A, p.Lys886= (NM_001008844.3, NM_001319034.2).
Identifiers: ClinVar variation 1546647 (VCV001546647.10), dbSNP rs201404613, ClinGen allele CA034504.
Genomic context (GRCh38, chr6:7,576,321, plus strand): 5'-GATAATGATTTTATTGTATCTATTTCCCCCCAGGTTATGGGACCTGGAGAAACAAATCAA[G>A]CAATTGAGGAATTATCGTGATAACTATCAGGCTTTCTGCAAGTGGCTCTATGATGCTAAA-3'
Protein context (NP_004406.2, residues 876-896): FRLWDLEKQI[Lys886=]QLRNYRDNYQ